The following is an entry in ClinVar:

ClinVar aggregate classification (germline): Uncertain significance (1 of 4 stars; one submission).

Conditions:
Inborn genetic diseases. Identifiers: MedGen C0950123, MeSH D030342.

gnomAD v4.1: 5 of 1,614,128 alleles (0.00031%); highest among the groups gnomAD compares: South Asian, 0.0044%; no homozygotes.

Submission:

Ambry Genetics
Classification: Uncertain significance for Inborn genetic diseases. Last evaluated: 2025-03-31. Review status: criteria provided, single submitter. Criteria: Ambry Variant Classification Scheme 2023. Collection method: clinical testing. Allele origin: germline.
Comment: The p.I55M variant (also known as c.165A>G), located in coding exon 2 of the MBD4 gene, results from an A to G substitution at nucleotide position 165. The isoleucine at codon 55 is replaced by methionine, an amino acid with highly similar properties. This amino acid position is conserved. In addition, this alteration is predicted to be tolerated by in silico analysis. Based on the available evidence, the clinical significance of this variant remains unclear.

NM_001276270.2(MBD4):c.165A>G (p.Ile55Met)

Gene: MBD4 (methyl-CpG binding domain 4, DNA glycosylase; minus strand). Cytogenetic location: 3q21.3.
Variant type: single nucleotide variant.
Coding change: c.165A>G on transcript NM_001276270.2 (MANE Select); coding-DNA position 165, A replaced by G.
Protein change: p.Ile55Met; replaces isoleucine 55 with methionine.
Molecular consequence: missense variant.
Genome position (GRCh38, 1-based): chr3:129,437,890, T>C on the plus strand (A>G on the coding strand, the complement: MBD4 is on the minus strand). VCF-style: chr3-129437890-T-C. GRCh37 (hg19) VCF-style: chr3-129156733-T-C.
Other names: c.165A>G, p.Ile55Met (NM_001276271.2, NM_001276272.2, NM_001276273.2 and 1 more transcripts); short protein forms I55M.
Identifiers: ClinVar variation 4052184 (VCV004052184.1).